The following is an entry in ClinVar:

ClinVar aggregate classification (germline): Pathogenic (1 of 4 stars; one submission).

Conditions:
Marfan syndrome (MFS). Also called: MARFAN SYNDROME, TYPE I; Marfan syndrome type 1; Marfan's syndrome; Marfan syndrome, classic; FBN1-Related Marfan Syndrome. Identifiers: Orphanet 284963, Orphanet 558, MedGen C0024796, MONDO:0007947, OMIM 154700.
Familial thoracic aortic aneurysm and aortic dissection (TAAD). Also called: Thoracic aortic aneurysms and dissections. Identifiers: Orphanet 91387, MedGen C4707243, MONDO:0019625.

Submission:

Labcorp Genetics (formerly Invitae), Labcorp
Classification: Pathogenic for Marfan syndrome; Familial thoracic aortic aneurysm and aortic dissection. Last evaluated: 2023-04-12. Review status: criteria provided, single submitter. Criteria: Invitae Variant Classification Sherloc (09022015). Collection method: clinical testing. Allele origin: germline.
Comment: This sequence change creates a premature translational stop signal (p.Ser2045Profs*14) in the FBN1 gene. It is expected to result in an absent or disrupted protein product. Loss-of-function variants in FBN1 are known to be pathogenic (PMID: 17657824, 19293843). This variant is not present in population databases (gnomAD no frequency). This variant has not been reported in the literature in individuals affected with FBN1-related conditions. For these reasons, this variant has been classified as Pathogenic.

Literature cited by the submitters: PubMed 17657824; PubMed 19293843.

NM_000138.5(FBN1):c.6126del (p.Ser2045fs)

Gene: FBN1 (fibrillin 1; minus strand). Cytogenetic location: 15q21.1.
Variant type: Deletion.
Coding change: c.6126del on transcript NM_000138.5 (MANE Select); coding-DNA position 6126, one base deleted (A; older notation c.6126delA).
Protein change: p.Ser2045fs; shifts the reading frame from serine 2045.
Molecular consequence: frameshift variant.
Genome position (GRCh38, 1-based): chr15:48,441,758, T deleted on the plus strand (A on the coding strand, the reverse complement: FBN1 is on the minus strand); the first of 2 consecutive T bases (chr15:48,441,758-48,441,759); deleting either gives the same sequence. VCF-style (leftmost placement, unchanged base first): chr15-48441757-CT-C. GRCh37 (hg19) VCF-style: chr15-48733954-CT-C.
Other names: c.6126del, p.Ser2045fs (NM_001406716.1); short protein forms S2045fs.
Identifiers: ClinVar variation 2946652 (VCV002946652.3), dbSNP rs2505446051, ClinGen allele CA2740096629.